The following is an entry in ClinVar:

ClinVar aggregate classification (germline): Uncertain significance. Review status: criteria provided, multiple submitters, no conflicts (2 of 4 stars). 3 submissions from 3 submitters: Uncertain significance (3). Last evaluated 2022-08-08.

Conditions:
Inborn genetic diseases. Identifiers: MedGen C0950123, MeSH D030342.

Allele frequency attached by ClinVar (database versions not stated): gnomAD exomes below 0.00001.
gnomAD v4.1: 2 of 1,614,168 alleles (0.00012%); highest among the groups gnomAD compares: Non-Finnish European, 0.00017%; no homozygotes.

Submissions (3):

Ambry Genetics
Classification: Uncertain significance for Inborn genetic diseases. Last evaluated: 2022-08-08. Review status: criteria provided, single submitter. Criteria: Ambry Variant Classification Scheme 2023. Collection method: clinical testing. Allele origin: germline.

Labcorp Genetics (formerly Invitae), Labcorp
Classification: Uncertain significance. Last evaluated: 2022-07-18. Review status: criteria provided, single submitter. Criteria: Invitae Variant Classification Sherloc (09022015). Collection method: clinical testing. Allele origin: germline.
Comment: This sequence change replaces glutamine, which is neutral and polar, with arginine, which is basic and polar, at codon 394 of the TPP1 protein (p.Gln394Arg). This variant is not present in population databases (gnomAD no frequency). This variant has not been reported in the literature in individuals affected with TPP1-related conditions. ClinVar contains an entry for this variant (Variation ID: 207588). Advanced modeling of protein sequence and biophysical properties (such as structural, functional, and spatial information, amino acid conservation, physicochemical variation, residue mobility, and thermodynamic stability) performed at Invitae indicates that this missense variant is not expected to disrupt TPP1 protein function. In summary, the available evidence is currently insufficient to determine the role of this variant in disease. Therefore, it has been classified as a Variant of Uncertain Significance.

GeneDx
Classification: Uncertain significance. Last evaluated: 2020-05-04. Review status: criteria provided, single submitter. Criteria: GeneDx Variant Classification Process June 2021. Collection method: clinical testing. Allele origin: germline. Affected: yes.
Comment: Not observed in large population cohorts (Lek et al., 2016); In silico analysis supports that this missense variant does not alter protein structure/function; Has not been previously published as pathogenic or benign to our knowledge

NM_000391.4(TPP1):c.1181A>G (p.Gln394Arg)

Gene: TPP1 (tripeptidyl peptidase 1; minus strand). Cytogenetic location: 11p15.4.
Variant type: single nucleotide variant.
Coding change: c.1181A>G on transcript NM_000391.4 (MANE Select); coding-DNA position 1181, A replaced by G.
Protein change: p.Gln394Arg; replaces glutamine 394 with arginine.
Molecular consequence: missense variant.
Genome position (GRCh38, 1-based): chr11:6,615,527, T>C on the plus strand (A>G on the coding strand, the complement: TPP1 is on the minus strand). VCF-style: chr11-6615527-T-C. GRCh37 (hg19) VCF-style: chr11-6636758-T-C.
Other names: p.Q394R:CAG>CGG; short protein forms Q394R.
Identifiers: ClinVar variation 207588 (VCV000207588.9), dbSNP rs796053442, ClinGen allele CA319202.